The following is an entry in ClinVar:

NM_003904.5(ZPR1):c.97C>T (p.Arg33Trp)

Genes: ZPR1 (ZPR1 zinc finger; minus strand), LOC130006797 (ATAC-STARR-seq lymphoblastoid silent region 3924; plus strand). Cytogenetic location: 11q23.3.
Variant type: single nucleotide variant.
Coding change: c.97C>T on transcript NM_003904.5 (MANE Select); coding-DNA position 97, C replaced by T.
Protein change: p.Arg33Trp; replaces arginine 33 with tryptophan.
Molecular consequence: missense variant.
Genome position (GRCh38, 1-based): chr11:116,787,894, G>A on the plus strand (C>T on the coding strand, the complement: ZPR1 is on the minus strand). VCF-style: chr11-116787894-G-A. GRCh37 (hg19) VCF-style: chr11-116658610-G-A.
Other names: c.97C>T, p.Arg33Trp (NM_001317086.2); short protein forms R33W.
Identifiers: ClinVar variation 3377585 (VCV003377585.1).

ClinVar aggregate classification (germline): Uncertain significance (1 of 4 stars; one submission).

Conditions:
Growth restriction, hypoplastic kidneys, alopecia, and distinctive facies. Identifiers: MedGen C5543375, MONDO:0859146, OMIM 619321.

gnomAD v4.1: 27 of 1,542,392 alleles (0.0018%); highest among the groups gnomAD compares: Non-Finnish European, 0.0022%; no homozygotes.

Submission:

Neuberg Centre For Genomic Medicine, NCGM
Classification: Uncertain significance for Growth restriction, hypoplastic kidneys, alopecia, and distinctive facies. Review status: criteria provided, single submitter. Criteria: ACMG Guidelines, 2015. Collection method: clinical testing. Allele origin: germline. Inheritance: Autosomal recessive inheritance. Affected: yes.
Comment: The observed missense c.97C>T (p.Arg33Trp) variant in ZPR1 gene has not been reported previously as a pathogenic variant nor as a benign variant, to our knowledge. The p.Arg33Trp variant is present with allele frequency of 0.002% in gnomAD Exomes. This variant has not been submitted to the ClinVar database. Multiple lines of computational evidence (Polyphen - Probably Damaging, SIFT - Damaging and MutationTaster - Disease causing) predict a damaging effect on protein structure and function for this variant. The reference amino acid of p.Arg33Trp in ZPR1 is predicted as conserved by GERP++ and PhyloP across 100 vertebrates. The amino acid Arg at position 33 is changed to a Trp changing protein sequence and it might alter its composition and physico-chemical properties. For these reasons, this variant has been classified as a Variant of Uncertain Significance (VUS).